The following is an entry in ClinVar:

NM_001081.4(CUBN):c.862T>C (p.Tyr288His)

Gene: CUBN (cubilin; minus strand). Cytogenetic location: 10p13.
Variant type: single nucleotide variant.
Coding change: c.862T>C on transcript NM_001081.4 (MANE Select); coding-DNA position 862, T replaced by C.
Protein change: p.Tyr288His; replaces tyrosine 288 with histidine.
Molecular consequence: missense variant.
Genome position (GRCh38, 1-based): chr10:17,114,048, A>G on the plus strand (T>C on the coding strand, the complement: CUBN is on the minus strand). VCF-style: chr10-17114048-A-G. GRCh37 (hg19) VCF-style: chr10-17156047-A-G.
Other names: short protein forms Y288H.
Identifiers: ClinVar variation 3905623 (VCV003905623.10).
Genomic context (GRCh38, chr10:17,114,048, plus strand): 5'-CTGGCATGCAGAGCCTGGCTTGTGGCCCTGAGAATGTACCTGTTGGACAGGCCCCACAGT[A>G]GAAAGAGCCTTGAGTGTTGAAACACTGCACAAGTGTGGAGCAAGGCCCGGGCTGGAAGCT-3'
Protein context (NP_001072.2, residues 278-298): VQCFNTQGSF[Tyr288His]CGACPTGWQG

ClinVar aggregate classification (germline): Uncertain significance (1 of 4 stars; one submission).

gnomAD v4.1: 11 of 1,612,948 alleles (0.00068%); highest among the groups gnomAD compares: Middle Eastern, 0.016%; no homozygotes.

Submission:

CeGaT Center for Human Genetics Tuebingen
Classification: Uncertain significance. Last evaluated: 2025-06-01. Review status: criteria provided, single submitter. Criteria: CeGaT Center For Human Genetics Tuebingen Variant Classification Criteria Version 2. Collection method: clinical testing. Allele origin: germline. Affected: yes. Observed: 1 variant allele.
Comment: CUBN: PM2, PP4